The following is an entry in ClinVar:

ClinVar aggregate classification (germline): Uncertain significance (1 of 4 stars; one submission).

Conditions:
BBS1-related disorder. Also called: BBS1-related condition.

Submission:

PreventionGenetics, part of Exact Sciences
Classification: Uncertain significance for BBS1-related condition. Last evaluated: 2025-10-22. Review status: criteria provided, single submitter. Criteria: ACMG Guidelines, 2015. Collection method: clinical testing. Allele origin: germline.
Comment: The BBS1 c.1572C>A variant is predicted to result in the amino acid substitution p.Asn524Lys. To our knowledge, this variant has not been reported in the literature or in a large population database (gnomAD), indicating this variant is rare. At this time, the clinical significance of this variant is uncertain due to the absence of conclusive functional and genetic evidence.

NM_024649.5(BBS1):c.1572C>A (p.Asn524Lys)

Genes: BBS1 (Bardet-Biedl syndrome 1; plus strand), ZDHHC24 (zDHHC palmitoyltransferase 24; minus strand). Cytogenetic location: 11q13.2.
Variant type: single nucleotide variant.
Coding change: c.1572C>A on transcript NM_024649.5 (MANE Select); coding-DNA position 1572, C replaced by A.
Protein change: p.Asn524Lys; replaces asparagine 524 with lysine.
Molecular consequence: missense variant. On other transcripts: intron variant (1).
Genome position (GRCh38, 1-based): chr11:66,530,992, C>A. VCF-style: chr11-66530992-C-A. GRCh37 (hg19) VCF-style: chr11-66298463-C-A.
Other names: c.560-1504G>T (NM_001348571.2); short protein forms N524K.
Identifiers: ClinVar variation 4995697 (VCV004995697.1).